The following is an entry in ClinVar:

ClinVar aggregate classification (germline): Benign/Likely benign. Review status: criteria provided, multiple submitters, no conflicts (2 of 4 stars). 6 submissions from 6 submitters: Benign (3); Likely benign (2). 1 of the submissions does not count toward it. Last evaluated 2026-09-01.

Conditions:
MECOM-related disorder. Also called: MECOM-related condition.
Inborn genetic diseases. Identifiers: MedGen C0950123, MeSH D030342.

Allele frequency attached by ClinVar (database versions not stated): 1000 Genomes Project 30x 0.00016; 1000 Genomes Project 0.00020; ESP Exome Variant Server 0.00215; TOPMed 0.00215; gnomAD exomes 0.00239 and 0.00339; ExAC 0.00254; gnomAD 0.00259 and 0.00277.
gnomAD v4.1: 5,279 of 1,613,646 alleles (0.33%); highest among the groups gnomAD compares: Non-Finnish European, 0.41%; 14 homozygotes.

Submissions (6):

CeGaT Center for Human Genetics Tuebingen
Classification: Likely benign. Last evaluated: 2026-09-01. Review status: criteria provided, single submitter. Criteria: CeGaT Center For Human Genetics Tuebingen Variant Classification Criteria Version 2. Collection method: clinical testing. Allele origin: germline. Affected: yes. Observed: 7 variant alleles.
Comment: MECOM: BP4, BP7, BS2

Labcorp Genetics (formerly Invitae), Labcorp
Classification: Benign. Last evaluated: 2026-01-19. Review status: criteria provided, single submitter. Criteria: Invitae Variant Classification Sherloc (09022015). Collection method: clinical testing. Allele origin: germline.

Ambry Genetics
Classification: Likely benign for Inborn genetic diseases. Last evaluated: 2024-10-02. Review status: criteria provided, single submitter. Criteria: Ambry Variant Classification Scheme 2023. Collection method: clinical testing. Allele origin: germline.

Mayo Clinic Laboratories, Mayo Clinic
Classification: Benign. Last evaluated: 2023-09-28. Review status: criteria provided, single submitter. Criteria: ACMG Guidelines, 2015. Collection method: clinical testing. Allele origin: germline. Observed: 4 variant alleles.
Comment: BS2, BP4, BP7

Genetic Services Laboratory, University of Chicago
Classification: Benign. Last evaluated: 2021-04-02. Review status: criteria provided, single submitter. Criteria: ACMG Guidelines, 2015. Collection method: clinical testing. Allele origin: germline. Affected: no.

PreventionGenetics, part of Exact Sciences
Classification: Benign for MECOM-related condition. Last evaluated: 2020-11-16. Review status: no assertion criteria provided. Collection method: clinical testing. Allele origin: germline. Not counted in ClinVar's aggregate classification.
Comment: This variant is classified as benign based on ACMG/AMP sequence variant interpretation guidelines (Richards et al. 2015 PMID: 25741868, with internal and published modifications).

NM_004991.4(MECOM):c.822T>C (p.Asp274=)

Gene: MECOM (MDS1 and EVI1 complex locus; minus strand). Cytogenetic location: 3q26.2.
Variant type: single nucleotide variant.
Coding change: c.822T>C on transcript NM_004991.4 (MANE Select); coding-DNA position 822, T replaced by C.
Protein change: p.Asp274=; no amino-acid change (aspartic acid 274 retained).
Molecular consequence: synonymous variant.
Genome position (GRCh38, 1-based): chr3:169,127,852, A>G on the plus strand (T>C on the coding strand, the complement: MECOM is on the minus strand). VCF-style: chr3-169127852-A-G. GRCh37 (hg19) VCF-style: chr3-168845640-A-G.
Other names: p.Asp274=; c.450T>C, p.Asp150= (NM_001105077.4); c.258T>C, p.Asp86= (NM_001105078.4, NM_001163999.2, NM_001164000.2 and 9 more transcripts); c.822T>C, p.Asp274= (NM_001366466.2, NM_001366473.2); c.822T>C (NM_004991.3).
Identifiers: ClinVar variation 719088 (VCV000719088.53), dbSNP rs142578153, ClinGen allele CA2696467.